The following is an entry in ClinVar:

ClinVar aggregate classification (germline): Uncertain significance (1 of 4 stars; one submission).

gnomAD v4.1: 7 of 1,613,638 alleles (0.00043%); highest among the groups gnomAD compares: Non-Finnish European, 0.00059%; no homozygotes.

Submission:

GeneDx
Classification: Uncertain significance. Last evaluated: 2024-08-30. Review status: criteria provided, single submitter. Criteria: GeneDx Variant Classification Process June 2021. Collection method: clinical testing. Allele origin: germline. Affected: yes.
Comment: Not observed at significant frequency in large population cohorts (gnomAD); In silico analysis supports that this missense variant does not alter protein structure/function; Has not been previously published as pathogenic or benign to our knowledge

NM_001378964.1(CDON):c.2131C>A (p.Leu711Ile)

Gene: CDON (cell adhesion associated, oncogene regulated; minus strand). Cytogenetic location: 11q24.2.
Variant type: single nucleotide variant.
Coding change: c.2131C>A on transcript NM_001378964.1 (MANE Select); coding-DNA position 2131, C replaced by A.
Protein change: p.Leu711Ile; replaces leucine 711 with isoleucine.
Molecular consequence: missense variant.
Genome position (GRCh38, 1-based): chr11:126,001,746, G>T on the plus strand (C>A on the coding strand, the complement: CDON is on the minus strand). VCF-style: chr11-126001746-G-T. GRCh37 (hg19) VCF-style: chr11-125871641-G-T.
Other names: c.2131C>A, p.Leu711Ile (NM_001243597.3, NM_016952.6); short protein forms L711I.
Identifiers: ClinVar variation 3766142 (VCV003766142.1).
Genomic context (GRCh38, chr11:126,001,746, plus strand): 5'-TGTAAAGAAACAATAAAATATTCTTCTTTTTACCTCCACTGTGCCTAGAGGAATCTGTAA[G>T]TACCACTCCAAAATTGTTGTTTGCAGCCTCTGAAACAACGGGATACTTAGGGATGCCCAC-3'
Protein context (NP_001365893.1, residues 701-721): EAANNNFGVV[Leu711Ile]TDSSRHSGVP